The following is an entry in ClinVar:

NM_053025.4(MYLK):c.376A>G (p.Ser126Gly)

Gene: MYLK (myosin light chain kinase; minus strand). Cytogenetic location: 3q21.1.
Variant type: single nucleotide variant.
Coding change: c.376A>G on transcript NM_053025.4 (MANE Select); coding-DNA position 376, A replaced by G.
Protein change: p.Ser126Gly; replaces serine 126 with glycine.
Molecular consequence: missense variant. On other transcripts: 5 prime UTR variant (1).
Genome position (GRCh38, 1-based): chr3:123,739,999, T>C on the plus strand (A>G on the coding strand, the complement: MYLK is on the minus strand). VCF-style: chr3-123739999-T-C. GRCh37 (hg19) VCF-style: chr3-123458846-T-C.
Other names: c.-153A>G (NM_001321309.2); c.376A>G, p.Ser126Gly (NM_053026.4, NM_053027.4, NM_053028.4); short protein forms S126G.
Identifiers: ClinVar variation 1318562 (VCV001318562.6), dbSNP rs754859097, ClinGen allele CA070621.

ClinVar aggregate classification (germline): Conflicting classifications of pathogenicity. Review status: criteria provided, conflicting classifications (1 of 4 stars). 4 submissions from 4 submitters: Uncertain significance (3); Likely benign (1). Last evaluated 2026-01-17.

Conditions:
Aortic aneurysm, familial thoracic 7 (AAT7). Also called: AORTIC DISSECTION, FAMILIAL, WITH OR WITHOUT AORTIC ANEURYSM. Identifiers: MedGen C3151077, MONDO:0013418, OMIM 613780.
Megacystis-microcolon-intestinal hypoperistalsis syndrome 1. Identifiers: MedGen C5542316, MONDO:0100354, OMIM 249210.
Familial thoracic aortic aneurysm and aortic dissection (TAAD). Also called: Thoracic aortic aneurysms and dissections. Identifiers: Orphanet 91387, MedGen C4707243, MONDO:0019625.

Allele frequency attached by ClinVar (database versions not stated): ExAC 0.00001; gnomAD exomes 0.00001.
gnomAD v4.1: 4 of 1,613,890 alleles (0.00025%); highest among the groups gnomAD compares: South Asian, 0.0022%; no homozygotes.

Submissions (4):

Labcorp Genetics (formerly Invitae), Labcorp
Classification: Uncertain significance for Aortic aneurysm, familial thoracic 7. Last evaluated: 2026-01-17. Review status: criteria provided, single submitter. Criteria: Invitae Variant Classification Sherloc (09022015). Collection method: clinical testing. Allele origin: germline.
Comment: This sequence change replaces serine, which is neutral and polar, with glycine, which is neutral and non-polar, at codon 126 of the MYLK protein (p.Ser126Gly). This variant is present in population databases (rs754859097, gnomAD 0.006%). This variant has not been reported in the literature in individuals affected with MYLK-related conditions. ClinVar contains an entry for this variant (Variation ID: 1318562). An algorithm developed to predict the effect of missense changes on protein structure and function outputs the following: PolyPhen-2: "Benign". The glycine amino acid residue is found in multiple mammalian species, which suggests that this missense change does not adversely affect protein function. In summary, the available evidence is currently insufficient to determine the role of this variant in disease. Therefore, it has been classified as a Variant of Uncertain Significance.

Ambry Genetics
Classification: Likely benign for Familial thoracic aortic aneurysm and aortic dissection. Last evaluated: 2024-10-08. Review status: criteria provided, single submitter. Criteria: Ambry Variant Classification Scheme 2023. Collection method: clinical testing. Allele origin: germline.

Fulgent Genetics
Classification: Uncertain significance for Megacystis-microcolon-intestinal hypoperistalsis syndrome 1; Aortic aneurysm, familial thoracic 7. Last evaluated: 2021-07-22. Review status: criteria provided, single submitter. Criteria: ACMG Guidelines, 2015. Collection method: clinical testing. Allele origin: unknown.

GeneDx
Classification: Uncertain significance. Last evaluated: 2019-10-04. Review status: criteria provided, single submitter. Criteria: GeneDx Variant Classification Process June 2021. Collection method: clinical testing. Allele origin: germline. Affected: yes.
Comment: Has not been previously published as pathogenic or benign to our knowledge; Not observed at a significant frequency in large population cohorts (Lek et al., 2016); In silico analysis, which includes protein predictors and evolutionary conservation, supports that this variant does not alter protein structure/function